The following is an entry in ClinVar:

NM_000548.5(TSC2):c.5238C>A (p.His1746Gln)

Gene: TSC2 (TSC complex subunit 2; plus strand). Cytogenetic location: 16p13.3.
Variant type: single nucleotide variant.
Coding change: c.5238C>A on transcript NM_000548.5 (MANE Select); coding-DNA position 5238, C replaced by A.
Protein change: p.His1746Gln; replaces histidine 1746 with glutamine.
Molecular consequence: missense variant.
Genome position (GRCh38, 1-based): chr16:2,088,304, C>A. VCF-style: chr16-2088304-C-A. GRCh37 (hg19) VCF-style: chr16-2138305-C-A.
Other names: c.5238C>A (NM_000548.3); c.5037C>A, p.His1679Gln (NM_001077183.3); c.5169C>A, p.His1723Gln (NM_001114382.3); c.4929C>A, p.His1643Gln (NM_001318827.2); c.4893C>A, p.His1631Gln (NM_001318829.2); c.4506C>A, p.His1502Gln (NM_001318831.2); c.5070C>A, p.His1690Gln (NM_001318832.2); c.5040C>A, p.His1680Gln (NM_001363528.2); and 3 more; short protein forms H1643Q, H1690Q, H1723Q, H1631Q, H1680Q, H1702Q, H1502Q, H1679Q.
Identifiers: ClinVar variation 1352113 (VCV001352113.6), dbSNP rs1060504084, ClinGen allele CA394314618.

ClinVar aggregate classification (germline): Uncertain significance. Review status: criteria provided, multiple submitters, no conflicts (2 of 4 stars). 2 submissions from 2 submitters: Uncertain significance (2). Last evaluated 2023-07-07.

Conditions:
Tuberous sclerosis 2 (TSC2). Identifiers: Orphanet 805, MedGen C1860707, MONDO:0013199, OMIM 613254.

Submissions (2):

Labcorp Genetics (formerly Invitae), Labcorp
Classification: Uncertain significance for Tuberous sclerosis 2. Last evaluated: 2023-07-07. Review status: criteria provided, single submitter. Criteria: Invitae Variant Classification Sherloc (09022015). Collection method: clinical testing. Allele origin: germline.
Comment: This sequence change replaces histidine, which is basic and polar, with glutamine, which is neutral and polar, at codon 1746 of the TSC2 protein (p.His1746Gln). This variant is not present in population databases (gnomAD no frequency). This variant has not been reported in the literature in individuals affected with TSC2-related conditions. ClinVar contains an entry for this variant (Variation ID: 1352113). Advanced modeling of protein sequence and biophysical properties (such as structural, functional, and spatial information, amino acid conservation, physicochemical variation, residue mobility, and thermodynamic stability) performed at Invitae indicates that this missense variant is not expected to disrupt TSC2 protein function. This variant disrupts the p.His1746 amino acid residue in TSC2. Other variant(s) that disrupt this residue have been determined to be pathogenic (Invitae). This suggests that this residue is clinically significant, and that variants that disrupt this residue are likely to be disease-causing. In summary, the available evidence is currently insufficient to determine the role of this variant in disease. Therefore, it has been classified as a Variant of Uncertain Significance.

GeneDx
Classification: Uncertain significance. Last evaluated: 2022-08-29. Review status: criteria provided, single submitter. Criteria: GeneDx Variant Classification Process June 2021. Collection method: clinical testing. Allele origin: germline. Affected: yes.
Comment: Not observed at significant frequency in large population cohorts (gnomAD); In silico analysis supports that this missense variant has a deleterious effect on protein structure/function; Has not been previously published as pathogenic or benign to our knowledge